The following is an entry in ClinVar:

NM_001048174.2(MUTYH):c.*7T>A

Gene: MUTYH (mutY DNA glycosylase; minus strand). Cytogenetic location: 1p34.1.
Variant type: single nucleotide variant.
Coding change: c.*7T>A on transcript NM_001048174.2 (MANE Select); 7 bases downstream of the stop codon, T replaced by A.
Molecular consequence: 3 prime UTR variant. On other transcripts: non-coding transcript variant (2).
Genome position (GRCh38, 1-based): chr1:45,329,299, A>T on the plus strand (T>A on the coding strand, the complement: MUTYH is on the minus strand). VCF-style: chr1-45329299-A-T. GRCh37 (hg19) VCF-style: chr1-45794971-A-T.
Other names: c.*7T>A (NM_001350650.2, NM_001350651.2, NM_012222.3 and 9 more transcripts).
Identifiers: ClinVar variation 925382 (VCV000925382.3), dbSNP rs1644338066, ClinGen allele CA1139655475.

ClinVar aggregate classification (germline): Uncertain significance (1 of 4 stars; one submission).

Conditions:
Hereditary cancer-predisposing syndrome. Also called: Neoplastic Syndromes, Hereditary; Tumor predisposition; Hereditary Cancer Syndrome; Hereditary neoplastic syndrome. Identifiers: Orphanet 140162, MedGen C0027672, MeSH D009386, MONDO:0015356.

Allele frequency attached by ClinVar (database versions not stated): TOPMed below 0.00001.

Submission:

Color Diagnostics, LLC DBA Color Health
Classification: Uncertain significance for Hereditary cancer-predisposing syndrome. Last evaluated: 2019-10-08. Review status: criteria provided, single submitter. Criteria: ACMG Guidelines, 2015. Collection method: clinical testing. Allele origin: germline.
Comment: This variant is located in the 3' untranslated region of the MUTYH gene. To our knowledge, functional studies have not been performed for this variant. This variant has not been reported in individuals affected with hereditary cancer in the literature. This variant has not been identified in the general population by the Genome Aggregation Database (gnomAD). The available evidence is insufficient to determine the role of this variant in disease conclusively. Therefore, this variant is classified as a Variant of Uncertain Significance.